The following is an entry in ClinVar:

NM_022124.6(CDH23):c.2414del (p.Pro805fs)

Gene: CDH23 (cadherin related 23; plus strand). Cytogenetic location: 10q22.1.
Variant type: Deletion.
Coding change: c.2414del on transcript NM_022124.6 (MANE Select); coding-DNA position 2414, one base deleted (C; older notation c.2414delC).
Protein change: p.Pro805fs; shifts the reading frame from proline 805.
Molecular consequence: frameshift variant.
Genome position (GRCh38, 1-based): chr10:71,702,038, C deleted; the last of 3 consecutive C bases (chr10:71,702,036-71,702,038); deleting any one gives the same sequence. VCF-style (leftmost placement, unchanged base first): chr10-71702035-AC-A. GRCh37 (hg19) VCF-style: chr10-73461792-AC-A.
Other names: c.2414del, p.Pro805fs (NM_001171930.2, NM_001171931.2); short protein forms P805fs.
Identifiers: ClinVar variation 2045057 (VCV002045057.4), dbSNP rs2494047144, ClinGen allele CA2580081816.

ClinVar aggregate classification (germline): Pathogenic (1 of 4 stars; one submission).

Submission:

Labcorp Genetics (formerly Invitae), Labcorp
Classification: Pathogenic. Last evaluated: 2022-02-21. Review status: criteria provided, single submitter. Criteria: Invitae Variant Classification Sherloc (09022015). Collection method: clinical testing. Allele origin: germline.
Comment: For these reasons, this variant has been classified as Pathogenic. This variant has not been reported in the literature in individuals affected with CDH23-related conditions. This variant is not present in population databases (gnomAD no frequency). This sequence change creates a premature translational stop signal (p.Pro805Glnfs*48) in the CDH23 gene. It is expected to result in an absent or disrupted protein product. Loss-of-function variants in CDH23 are known to be pathogenic (PMID: 11138009, 21940737).

Literature cited by the submitters: PubMed 11138009; PubMed 21940737.